The following is an entry in ClinVar:

ClinVar aggregate classification (germline): Likely pathogenic (1 of 4 stars; one submission).

Conditions:
Rippling muscle disease 2 (RMD2). Also called: CAV3-Related Rippling Muscle Disease; Limb-girdle muscular dystrophy, type 1C. Identifiers: Orphanet 265, MedGen C1832560, MONDO:0019947, OMIM 606072.
Hypertrophic cardiomyopathy 1 (CMH1). Also called: Familial hypertrophic cardiomyopathy 1; MYH7-Related Familial Hypertrophic Cardiomyopathy. Identifiers: MedGen C3495498, MONDO:0008647, OMIM 192600.
Elevated circulating creatine kinase activity. Also called: Elevated serum creatine phosphokinase; Elevated circulating creatine kinase concentration; Elevated creatine kinase. Identifiers: MedGen C0241005, HP:0003236.
Distal myopathy, Tateyama type (MPDT). Also called: CAV3-Related Distal Myopathy. Identifiers: Orphanet 488650, MedGen C3280443, MONDO:0013686, OMIM 614321.
Long QT syndrome 9 (LQT9). Identifiers: Orphanet 101016, Orphanet 768, MedGen C2678485, MONDO:0012736, OMIM 611818.

Submission:

Institute for Genomic Medicine (IGM) Clinical Laboratory, Nationwide Children's Hospital
Classification: Likely pathogenic for Hypertrophic cardiomyopathy 1; Creatine phosphokinase, elevated serum; Long QT syndrome 9; Distal myopathy, Tateyama type; Rippling muscle disease 2. Last evaluated: 2019-01-28. Review status: criteria provided, single submitter. Criteria: ACMG Guidelines, 2015. Collection method: clinical testing. Allele origin: germline. Affected: yes.
Comment: [ACMG/AMP: PS2, PM1, PM2, PP3] This alteration is de novo in origin as it was not detected in the submitted parental specimens (identity confirmed) [PS2], is located in a mutational hotspot and/or critical and well-established functional domain [PM1], is absent from or rarely observed in large-scale population databases [PM2], is predicted to be damaging by multiple functional prediction tools [PP3].

NM_033337.3(CAV3):c.299T>A (p.Ile100Asn)

Genes: CAV3 (caveolin 3; plus strand), OXTR (oxytocin receptor; minus strand). Cytogenetic location: 3p25.3.
Variant type: single nucleotide variant.
Coding change: c.299T>A on transcript NM_033337.3 (MANE Select); coding-DNA position 299, T replaced by A.
Protein change: p.Ile100Asn; replaces isoleucine 100 with asparagine.
Molecular consequence: missense variant.
Genome position (GRCh38, 1-based): chr3:8,745,710, T>A. VCF-style: chr3-8745710-T-A. GRCh37 (hg19) VCF-style: chr3-8787396-T-A.
Other names: c.299T>A, p.Ile100Asn (NM_001234.5); short protein forms I100N.
Identifiers: ClinVar variation 973213 (VCV000973213.5), dbSNP rs1708139265, ClinGen allele CA351663470.